The following is an entry in ClinVar:

ClinVar aggregate classification (germline): Uncertain significance (1 of 4 stars; one submission).

Submission:

GeneDx
Classification: Uncertain significance. Last evaluated: 2023-10-26. Review status: criteria provided, single submitter. Criteria: GeneDx Variant Classification Process June 2021. Collection method: clinical testing. Allele origin: germline.
Comment: Not observed at significant frequency in large population cohorts (gnomAD); In silico analysis supports that this missense variant has a deleterious effect on protein structure/function; Has not been previously published as pathogenic or benign to our knowledge; Variants in candidate genes are classified as variants of uncertain significance in accordance with ACMG guidelines (PMID: 25741868)

NM_014921.5(ADGRL1):c.2920G>T (p.Gly974Cys)

Genes: ADGRL1 (adhesion G protein-coupled receptor L1; minus strand), ADGRL1-AS1 (ADGRL1 antisense RNA 1; plus strand). Cytogenetic location: 19p13.12.
Variant type: single nucleotide variant.
Coding change: c.2920G>T on transcript NM_014921.5 (MANE Select); coding-DNA position 2920, G replaced by T.
Protein change: p.Gly974Cys; replaces glycine 974 with cysteine.
Molecular consequence: missense variant.
Genome position (GRCh38, 1-based): chr19:14,156,971, C>A on the plus strand (G>T on the coding strand, the complement: ADGRL1 is on the minus strand). VCF-style: chr19-14156971-C-A. GRCh37 (hg19) VCF-style: chr19-14267783-C-A.
Other names: c.2935G>T, p.Gly979Cys (NM_001008701.3); short protein forms G974C, G979C.
Identifiers: ClinVar variation 4891408 (VCV004891408.1).